The following is an entry in ClinVar:

NM_000535.7(PMS2):c.1943T>C (p.Phe648Ser)

Gene: PMS2 (PMS1 homolog 2, mismatch repair system component; minus strand). Cytogenetic location: 7p22.1.
Variant type: single nucleotide variant.
Coding change: c.1943T>C on transcript NM_000535.7 (MANE Select); coding-DNA position 1943, T replaced by C.
Protein change: p.Phe648Ser; replaces phenylalanine 648 with serine.
Molecular consequence: missense variant. On other transcripts: non-coding transcript variant (1), intron variant (1).
Genome position (GRCh38, 1-based): chr7:5,986,822, A>G on the plus strand (T>C on the coding strand, the complement: PMS2 is on the minus strand). VCF-style: chr7-5986822-A-G. GRCh37 (hg19) VCF-style: chr7-6026453-A-G.
Other names: c.1538T>C, p.Phe513Ser (NM_001322003.2, NM_001322004.2, NM_001322005.2 and 16 more transcripts); c.1787T>C, p.Phe596Ser (NM_001322006.2, NM_001406870.1); c.1625T>C, p.Phe542Ser (NM_001322007.2, NM_001322008.2, NM_001406876.1 and 2 more transcripts); c.1382T>C, p.Phe461Ser (NM_001322010.2, NM_001406906.1, NM_001406907.1); c.1010T>C, p.Phe337Ser (NM_001322011.2, NM_001322012.2); c.1370T>C, p.Phe457Ser (NM_001322013.2, NM_001406909.1); c.1943T>C, p.Phe648Ser (NM_001322014.2, NM_001406871.1, NM_001406872.1); c.1634T>C, p.Phe545Ser (NM_001322015.2, NM_001406875.1, NM_001406877.1 and 5 more transcripts); and 13 more; short protein forms F391S, F477S, F540S, F337S, F457S, F493S, F513S, F545S.
Identifiers: ClinVar variation 3891012 (VCV003891012.2).

ClinVar aggregate classification (germline): Uncertain significance (1 of 4 stars; one submission).

Conditions:
Hereditary cancer-predisposing syndrome. Also called: Tumor predisposition; Neoplastic Syndromes, Hereditary; Hereditary Cancer Syndrome; Hereditary neoplastic syndrome. Identifiers: Orphanet 140162, MedGen C0027672, MeSH D009386, MONDO:0015356.

Submission:

Ambry Genetics
Classification: Uncertain significance for Hereditary cancer-predisposing syndrome. Last evaluated: 2025-05-25. Review status: criteria provided, single submitter. Criteria: Ambry Variant Classification Scheme 2023. Collection method: clinical testing. Allele origin: germline.
Comment: The p.F648S variant (also known as c.1943T>C), located in coding exon 11 of the PMS2 gene, results from a T to C substitution at nucleotide position 1943. The phenylalanine at codon 648 is replaced by serine, an amino acid with highly dissimilar properties. This amino acid position is conserved. In addition, the in silico prediction for this alteration is inconclusive. Based on the available evidence, the clinical significance of this variant remains unclear.